The following is an entry in ClinVar:

NM_004706.4(ARHGEF1):c.840G>C (p.Gln280His)

Gene: ARHGEF1 (Rho guanine nucleotide exchange factor 1; plus strand). Cytogenetic location: 19q13.2.
Variant type: single nucleotide variant.
Coding change: c.840G>C on transcript NM_004706.4 (MANE Select); coding-DNA position 840, G replaced by C.
Protein change: p.Gln280His; replaces glutamine 280 with histidine.
Molecular consequence: missense variant. On other transcripts: non-coding transcript variant (2).
Genome position (GRCh38, 1-based): chr19:41,894,546, G>C. VCF-style: chr19-41894546-G-C. GRCh37 (hg19) VCF-style: chr19-42398619-G-C.
Other names: c.741G>C, p.Gln247His (NM_198977.2, NM_001396002.1, NM_001396004.1); c.885G>C, p.Gln295His (NM_199002.2); c.840G>C, p.Gln280His (NM_001396000.1, NM_001396003.1, NM_001396006.1); short protein forms Q280H, Q247H, Q295H.
Identifiers: ClinVar variation 3725834 (VCV003725834.2).
Genomic context (GRCh38, chr19:41,894,546, plus strand): 5'-GACCAAGAAGGGGCTGAGCAGCATCCTGGATGCCGCCCGCTGGAACCGGGGAGAGCCCCA[G>C]GGTAAGGCGGCTCTGGCCTCTGCCCTCCCCTGTCTTCCCCAGCTGCTCCCACTCACTGTC-3'
Protein context (NP_004697.2, residues 270-290): DAARWNRGEP[Gln280His]VPDFRHLKAE

ClinVar aggregate classification (germline): Uncertain significance (1 of 4 stars; one submission).

gnomAD v4.1: 1 of 1,613,560 alleles (0.000062%); highest among the groups gnomAD compares: Non-Finnish European, 0.000085%; no homozygotes.

Submission:

Labcorp Genetics (formerly Invitae), Labcorp
Classification: Uncertain significance. Last evaluated: 2024-11-22. Review status: criteria provided, single submitter. Criteria: Invitae Variant Classification Sherloc (09022015). Collection method: clinical testing. Allele origin: germline.
Comment: This sequence change replaces glutamine, which is neutral and polar, with histidine, which is basic and polar, at codon 295 of the ARHGEF1 protein (p.Gln295His). This variant is not present in population databases (gnomAD no frequency). This variant has not been reported in the literature in individuals affected with ARHGEF1-related conditions. An algorithm developed to predict the effect of missense changes on protein structure and function (PolyPhen-2) suggests that this variant is likely to be disruptive. In summary, the available evidence is currently insufficient to determine the role of this variant in disease. Therefore, it has been classified as a Variant of Uncertain Significance.